The following is an entry in ClinVar:

ClinVar aggregate classification (germline): Conflicting classifications of pathogenicity. Review status: criteria provided, conflicting classifications (1 of 4 stars). 2 submissions from 2 submitters: Uncertain significance (1); Benign (1). Last evaluated 2024-05-16.

Conditions:
Tuberous sclerosis 2 (TSC2). Identifiers: Orphanet 805, MedGen C1860707, MONDO:0013199, OMIM 613254.
Hereditary cancer-predisposing syndrome. Also called: Neoplastic Syndromes, Hereditary; Hereditary neoplastic syndrome; Tumor predisposition; Hereditary Cancer Syndrome. Identifiers: Orphanet 140162, MedGen C0027672, MeSH D009386, MONDO:0015356.

Allele frequency attached by ClinVar (database versions not stated): ExAC 0.00001.
gnomAD v4.1: 3 of 1,613,830 alleles (0.00019%); highest among the groups gnomAD compares: Non-Finnish European, 0.00017%; no homozygotes.

Submissions (2):

Ambry Genetics
Classification: Uncertain significance for Hereditary cancer-predisposing syndrome. Last evaluated: 2024-05-16. Review status: criteria provided, single submitter. Criteria: Ambry Variant Classification Scheme 2023. Collection method: clinical testing. Allele origin: germline.
Comment: The p.A552S variant (also known as c.1654G>T), located in coding exon 15 of the TSC2 gene, results from a G to T substitution at nucleotide position 1654. The alanine at codon 552 is replaced by serine, an amino acid with similar properties. This amino acid position is conserved. In addition, this alteration is predicted to be tolerated by in silico analysis. Based on the available evidence, the clinical significance of this variant remains unclear.

Labcorp Genetics (formerly Invitae), Labcorp
Classification: Benign for Tuberous sclerosis 2. Last evaluated: 2022-12-06. Review status: criteria provided, single submitter. Criteria: Invitae Variant Classification Sherloc (09022015). Collection method: clinical testing. Allele origin: germline.

NM_000548.5(TSC2):c.1654G>T (p.Ala552Ser)

Gene: TSC2 (TSC complex subunit 2; plus strand). Cytogenetic location: 16p13.3.
Variant type: single nucleotide variant.
Coding change: c.1654G>T on transcript NM_000548.5 (MANE Select); coding-DNA position 1654, G replaced by T.
Protein change: p.Ala552Ser; replaces alanine 552 with serine.
Molecular consequence: missense variant.
Genome position (GRCh38, 1-based): chr16:2,065,573, G>T. VCF-style: chr16-2065573-G-T. GRCh37 (hg19) VCF-style: chr16-2115574-G-T.
Other names: c.1654G>T, p.Ala552Ser (NM_001077183.3, NM_001114382.3, NM_001363528.2 and 6 more transcripts); c.1543G>T, p.Ala515Ser (NM_001318827.2, NM_001406670.1, NM_001406678.1); c.1507G>T, p.Ala503Ser (NM_001318829.2, NM_001406675.1, NM_001406676.1 and 1 more transcripts); c.1054G>T, p.Ala352Ser (NM_001318831.2, NM_001406682.1, NM_001406683.1 and 6 more transcripts); c.1687G>T, p.Ala563Ser (NM_001318832.2); c.1744G>T, p.Ala582Ser (NM_001406667.1, NM_001406668.1); c.310G>T, p.Ala104Ser (NM_001406689.1, NM_001406690.1, NM_001406691.1 and 6 more transcripts); c.52G>T, p.Ala18Ser (NM_001406698.1); and 3 more; short protein forms A398S, A552S, A104S, A18S, A352S, A533S, A548S, A503S.
Identifiers: ClinVar variation 1936373 (VCV001936373.6), dbSNP rs777121421, ClinGen allele CA032036.
Genomic context (GRCh38, chr16:2,065,573, plus strand): 5'-TCAAAGGTGATGGCCCGCTCCCTCTCCCCACCCCCGGAGCTGGAAGAAAGGGATGTGGCC[G>T]CATACTCGGCCTCCTTGGAGGATGTGAAGACAGCCGTCCTGGGGCTTCTGGTCATCCTTC-3'
Protein context (NP_000539.2, residues 542-562): PPELEERDVA[Ala552Ser]YSASLEDVKT